The following is an entry in ClinVar:

ClinVar aggregate classification (germline): Uncertain significance. Review status: criteria provided, multiple submitters, no conflicts (2 of 4 stars). 2 submissions from 2 submitters: Uncertain significance (2). Last evaluated 2024-07-10.

Conditions:
Hereditary cancer-predisposing syndrome. Also called: Hereditary Cancer Syndrome; Hereditary neoplastic syndrome; Tumor predisposition; Neoplastic Syndromes, Hereditary. Identifiers: Orphanet 140162, MedGen C0027672, MeSH D009386, MONDO:0015356.
Cardiovascular phenotype. Identifiers: MedGen CN230736.

Submissions (2):

Ambry Genetics
Classification: Uncertain significance for Cardiovascular phenotype; Hereditary cancer-predisposing syndrome. Last evaluated: 2024-07-10. Review status: criteria provided, single submitter. Criteria: Ambry Variant Classification Scheme 2023. Collection method: clinical testing. Allele origin: germline.
Comment: The c.321-3C>A intronic variant results from a C to A substitution 3 nucleotides upstream from coding exon 4 in the LZTR1 gene. This nucleotide position is not well conserved in available vertebrate species. In silico splice site analysis for this alteration is inconclusive. Based on the available evidence, the clinical significance of this variant remains unclear.

Labcorp Genetics (formerly Invitae), Labcorp
Classification: Uncertain significance. Last evaluated: 2024-06-11. Review status: criteria provided, single submitter. Criteria: Invitae Variant Classification Sherloc (09022015). Collection method: clinical testing. Allele origin: germline.
Comment: This sequence change falls in intron 3 of the LZTR1 gene. It does not directly change the encoded amino acid sequence of the LZTR1 protein. It affects a nucleotide within the consensus splice site. This variant is not present in population databases (gnomAD no frequency). This variant has not been reported in the literature in individuals affected with LZTR1-related conditions. Variants that disrupt the consensus splice site are a relatively common cause of aberrant splicing (PMID: 17576681, 9536098). Algorithms developed to predict the effect of sequence changes on RNA splicing suggest that this variant is not likely to affect RNA splicing. In summary, the available evidence is currently insufficient to determine the role of this variant in disease. Therefore, it has been classified as a Variant of Uncertain Significance.

Literature cited by the submitters: PubMed 17576681 (cited by Labcorp Genetics (formerly Invitae), Labcorp); PubMed 9536098 (cited by Labcorp Genetics (formerly Invitae), Labcorp).

NM_006767.4(LZTR1):c.321-3C>A

Gene: LZTR1 (leucine zipper like post translational regulator 1; plus strand). Cytogenetic location: 22q11.21.
Variant type: single nucleotide variant.
Coding change: c.321-3C>A on transcript NM_006767.4 (MANE Select); 3 bases into the intron before coding-DNA position 321, C replaced by A.
Molecular consequence: intron variant.
Genome position (GRCh38, 1-based): chr22:20,987,501, C>A. VCF-style: chr22-20987501-C-A. GRCh37 (hg19) VCF-style: chr22-21341790-C-A.
Identifiers: ClinVar variation 3541572 (VCV003541572.3).